The following is an entry in ClinVar:

ClinVar aggregate classification (germline): Benign/Likely benign. Review status: criteria provided, multiple submitters, no conflicts (2 of 4 stars). 6 submissions from 6 submitters: Benign (1); Likely benign (5). Last evaluated 2025-11-09.

Conditions:
Hereditary cancer-predisposing syndrome. Also called: Neoplastic Syndromes, Hereditary; Hereditary neoplastic syndrome; Tumor predisposition; Hereditary Cancer Syndrome. Identifiers: Orphanet 140162, MedGen C0027672, MeSH D009386, MONDO:0015356.
Familial cancer of breast. Also called: hereditary breast carcinoma; Hereditary breast cancer; BREAST CANCER, FAMILIAL. Identifiers: Orphanet 227535, MedGen C0346153, MONDO:0016419, OMIM 114480. Disease mechanism: loss of function.
Ataxia-telangiectasia syndrome (AT). Also called: Ataxia telangiectasia (A-T); Cerebello-oculocutaneous telangiectasia; Immunodeficiency with ataxia telangiectasia; LOUIS-BAR SYNDROME; AT, COMPLEMENTATION GROUP C; ATAXIA-TELANGIECTASIA, FRESNO VARIANT. Identifiers: Orphanet 100, MedGen C0004135, MONDO:0008840, OMIM 208900.

Allele frequency attached by ClinVar (database versions not stated): gnomAD exomes 0.00001 and below 0.00001; ExAC 0.00002; gnomAD 0.00001; TOPMed 0.00001.
gnomAD v4.1: 5 of 1,609,002 alleles (0.00031%); highest among the groups gnomAD compares: Admixed American, 0.0017%; no homozygotes.

Submissions (6):

Labcorp Genetics (formerly Invitae), Labcorp
Classification: Likely benign for Ataxia-telangiectasia syndrome. Last evaluated: 2025-11-09. Review status: criteria provided, single submitter. Criteria: Invitae Variant Classification Sherloc (09022015). Collection method: clinical testing. Allele origin: germline.

Myriad Genetics, Inc.
Classification: Benign for Familial cancer of breast. Last evaluated: 2024-06-20. Review status: criteria provided, single submitter. Criteria: Myriad Autosomal Dominant, Autosomal Recessive and X-Linked Classification Criteria (2023). Collection method: clinical testing. Allele origin: unknown.
Comment: This variant is considered benign. This variant is a silent/synonymous amino acid change and it is not expected to impact splicing.

Blueprint Genetics
Classification: Likely benign. Last evaluated: 2023-09-01. Review status: criteria provided, single submitter. Criteria: ACMG Guidelines, 2015. Collection method: clinical testing. Allele origin: germline.

Color Diagnostics, LLC DBA Color Health
Classification: Likely benign for Hereditary cancer-predisposing syndrome. Last evaluated: 2019-04-29. Review status: criteria provided, single submitter. Criteria: ACMG Guidelines, 2015. Collection method: clinical testing. Allele origin: germline.

GeneDx
Classification: Likely benign. Last evaluated: 2015-11-20. Review status: criteria provided, single submitter. Criteria: GeneDx Variant Classification (06012015). Collection method: clinical testing. Allele origin: germline. Affected: yes.
Comment: This variant is considered likely benign or benign based on one or more of the following criteria: it is a conservative change, it occurs at a poorly conserved position in the protein, it is predicted to be benign by multiple in silico algorithms, and/or has population frequency not consistent with disease.

Ambry Genetics
Classification: Likely benign for Hereditary cancer-predisposing syndrome. Last evaluated: 2015-01-19. Review status: criteria provided, single submitter. Criteria: Ambry Variant Classification Scheme 2023. Collection method: clinical testing. Allele origin: germline.

NM_000051.4(ATM):c.8595A>T (p.Ile2865=)

Genes: ATM (ATM serine/threonine kinase; plus strand), C11orf65 (chromosome 11 open reading frame 65; minus strand). Cytogenetic location: 11q22.3.
Variant type: single nucleotide variant.
Coding change: c.8595A>T on transcript NM_000051.4 (MANE Select); coding-DNA position 8595, A replaced by T.
Protein change: p.Ile2865=; no amino-acid change (isoleucine 2865 retained).
Molecular consequence: synonymous variant. On other transcripts: intron variant (2).
Genome position (GRCh38, 1-based): chr11:108,347,289, A>T. VCF-style: chr11-108347289-A-T. GRCh37 (hg19) VCF-style: chr11-108218016-A-T.
Other names: c.8595A>T, p.Ile2865= (NM_001351834.2); c.641-38218T>A (NM_001330368.2); c.695-11997T>A (NM_001351110.2).
Identifiers: ClinVar variation 230168 (VCV000230168.20), dbSNP rs777245630, ClinGen allele CA6266399.